The following is an entry in ClinVar:

ClinVar aggregate classification (germline): Benign. Review status: criteria provided, single submitter (1 of 4 stars). 2 submissions from 2 submitters: Benign (1). 1 of the submissions does not count toward it. Last evaluated 2025-06-15.

Conditions:
Frontotemporal dementia and/or amyotrophic lateral sclerosis 4. Also called: FTDALS4. Identifiers: Orphanet 275872, MedGen C4225325, MONDO:0014641, OMIM 616439.
TBK1-related disorder. Also called: TBK1-related condition.

Allele frequency attached by ClinVar (database versions not stated): TOPMed 0.00001; gnomAD 0.00002; gnomAD exomes 0.00005; ExAC 0.00012.
gnomAD v4.1: 79 of 1,613,038 alleles (0.0049%); highest among the groups gnomAD compares: South Asian, 0.074%; 1 homozygote.

Submissions (2):

Labcorp Genetics (formerly Invitae), Labcorp
Classification: Benign for Frontotemporal dementia and/or amyotrophic lateral sclerosis 4. Last evaluated: 2025-06-15. Review status: criteria provided, single submitter. Criteria: Invitae Variant Classification Sherloc (09022015). Collection method: clinical testing. Allele origin: germline.

PreventionGenetics, part of Exact Sciences
Classification: Likely benign for TBK1-related condition. Last evaluated: 2022-07-12. Review status: no assertion criteria provided. Collection method: clinical testing. Allele origin: germline. Not counted in ClinVar's aggregate classification.
Comment: This variant is classified as likely benign based on ACMG/AMP sequence variant interpretation guidelines (Richards et al. 2015 PMID: 25741868, with internal and published modifications).

NM_013254.4(TBK1):c.439G>A (p.Glu147Lys)

Gene: TBK1 (TANK binding kinase 1; plus strand). Cytogenetic location: 12q14.2.
Variant type: single nucleotide variant.
Coding change: c.439G>A on transcript NM_013254.4 (MANE Select); coding-DNA position 439, G replaced by A.
Protein change: p.Glu147Lys; replaces glutamic acid 147 with lysine.
Molecular consequence: missense variant.
Genome position (GRCh38, 1-based): chr12:64,466,981, G>A. VCF-style: chr12-64466981-G-A. GRCh37 (hg19) VCF-style: chr12-64860761-G-A.
Other names: short protein forms E147K.
Identifiers: ClinVar variation 3031123 (VCV003031123.3), dbSNP rs372808630, ClinGen allele CA6668818.
Genomic context (GRCh38, chr12:64,466,981, plus strand): 5'-CGAGAGAATGGTATAGTGCACCGTGATATCAAGCCAGGAAATATCATGCGTGTTATAGGG[G>A]AAGATGGACAGTCTGTGTACAAACTCACAGATTTTGGTGCAGCTAGAGAATTAGAAGATG-3'
Protein context (NP_037386.1, residues 137-157): KPGNIMRVIG[Glu147Lys]DGQSVYKLTD